The following is an entry in ClinVar:

NM_015910.7(WDPCP):c.176T>A (p.Ile59Asn)

Gene: WDPCP (WD repeat containing planar cell polarity effector; minus strand). Cytogenetic location: 2p15.
Variant type: single nucleotide variant.
Coding change: c.176T>A on transcript NM_015910.7 (MANE Select); coding-DNA position 176, T replaced by A.
Protein change: p.Ile59Asn; replaces isoleucine 59 with asparagine.
Molecular consequence: missense variant. On other transcripts: non-coding transcript variant (2).
Genome position (GRCh38, 1-based): chr2:63,487,479, A>T on the plus strand (T>A on the coding strand, the complement: WDPCP is on the minus strand). VCF-style: chr2-63487479-A-T. GRCh37 (hg19) VCF-style: chr2-63714613-A-T.
Other names: c.104T>A, p.Ile35Asn (NM_001354044.2); c.176T>A, p.Ile59Asn (NM_001354045.2); short protein forms I59N, I35N.
Identifiers: ClinVar variation 220911 (VCV000220911.49), dbSNP rs202196322, ClinGen allele CA350616.

ClinVar aggregate classification (germline): Conflicting classifications of pathogenicity. Review status: criteria provided, conflicting classifications (1 of 4 stars). 11 submissions from 11 submitters: Uncertain significance (4); Likely benign (3). 4 of the submissions do not count toward it. Last evaluated 2026-02-01.

Conditions:
Bardet-Biedl syndrome 15 (BBS15). Identifiers: Orphanet 110, MedGen C3150127, MONDO:0014443, OMIM 615992.
Heart defect - tongue hamartoma - polysyndactyly syndrome. Also called: Congenital heart defects, hamartomas of tongue, and polysyndactyly. Identifiers: Orphanet 1338, MedGen C1857587, MONDO:0009008, OMIM 217085.
WDPCP-related disorder. Also called: WDPCP-related condition.
Bardet-Biedl syndrome (BBS). Identifiers: Orphanet 110, MedGen C0752166, MONDO:0015229.

Allele frequency attached by ClinVar (database versions not stated): 1000 Genomes Project 0.00040; 1000 Genomes Project 30x 0.00062; ExAC 0.00115; gnomAD exomes 0.00136 and 0.00227; gnomAD 0.00153 and 0.00156; TOPMed 0.00160; ESP Exome Variant Server 0.00180.
gnomAD v4.1: 3,472 of 1,596,126 alleles (0.22%); highest among the groups gnomAD compares: Non-Finnish European, 0.28%; 11 homozygotes.

Submissions (11):

CeGaT Center for Human Genetics Tuebingen
Classification: Likely benign. Last evaluated: 2026-02-01. Review status: criteria provided, single submitter. Criteria: CeGaT Center For Human Genetics Tuebingen Variant Classification Criteria Version 2. Collection method: clinical testing. Allele origin: germline. Affected: yes. Observed: 5 variant alleles.
Comment: WDPCP: BS2

Labcorp Genetics (formerly Invitae), Labcorp
Classification: Likely benign for Bardet-Biedl syndrome. Last evaluated: 2026-01-18. Review status: criteria provided, single submitter. Criteria: Invitae Variant Classification Sherloc (09022015). Collection method: clinical testing. Allele origin: germline.

GeneDx
Classification: Uncertain significance. Last evaluated: 2025-11-08. Review status: criteria provided, single submitter. Criteria: GeneDx Variant Classification Process June 2021. Collection method: clinical testing. Allele origin: germline. Affected: yes.
Comment: In silico analysis supports that this missense variant has a deleterious effect on protein structure/function; Has not been previously published as pathogenic or benign to our knowledge

Blueprint Genetics
Classification: Likely benign. Last evaluated: 2024-10-03. Review status: criteria provided, single submitter. Criteria: ACMG Guidelines, 2015. Collection method: clinical testing. Allele origin: germline.

Revvity Omics, Revvity
Classification: Uncertain significance. Last evaluated: 2019-01-09. Review status: criteria provided, single submitter. Criteria: ACMG Guidelines, 2015. Collection method: clinical testing. Allele origin: germline.

Fulgent Genetics
Classification: Uncertain significance for Heart defect - tongue hamartoma - polysyndactyly syndrome; Bardet-Biedl syndrome 15. Last evaluated: 2018-10-31. Review status: criteria provided, single submitter. Criteria: ACMG Guidelines, 2015. Collection method: clinical testing. Allele origin: unknown.

Illumina Laboratory Services, Illumina
Classification: Uncertain significance for Bardet-Biedl syndrome 15. Last evaluated: 2018-01-13. Review status: criteria provided, single submitter. Criteria: ICSL Variant Classification Criteria 13 December 2019. Collection method: clinical testing. Allele origin: germline.

PreventionGenetics, part of Exact Sciences
Classification: Likely benign for WDPCP-related condition. Last evaluated: 2020-09-15. Review status: no assertion criteria provided. Collection method: clinical testing. Allele origin: germline. Not counted in ClinVar's aggregate classification.
Comment: This variant is classified as likely benign based on ACMG/AMP sequence variant interpretation guidelines (Richards et al. 2015 PMID: 25741868, with internal and published modifications).

Clinical Genetics DNA and cytogenetics Diagnostics Lab, Erasmus MC, Erasmus Medical Center
Classification: Likely benign. Review status: no assertion criteria provided. Collection method: clinical testing. Allele origin: germline. Affected: yes. Study: VKGL Data-share Consensus. Not counted in ClinVar's aggregate classification.

Clinical Genetics, Academic Medical Center
Classification: Likely benign. Review status: no assertion criteria provided. Collection method: clinical testing. Allele origin: germline. Affected: yes. Study: VKGL Data-share Consensus. Not counted in ClinVar's aggregate classification.

Genome Diagnostics Laboratory, University Medical Center Utrecht
Classification: Likely benign. Review status: no assertion criteria provided. Collection method: clinical testing. Allele origin: germline. Affected: yes. Study: VKGL Data-share Consensus. Not counted in ClinVar's aggregate classification.